The following is an entry in ClinVar:

NM_006445.4(PRPF8):c.6991del (p.Glu2331fs)

Gene: PRPF8 (pre-mRNA processing factor 8; minus strand). Cytogenetic location: 17p13.3.
Variant type: Deletion.
Coding change: c.6991del on transcript NM_006445.4 (MANE Select); coding-DNA position 6991, one base deleted (G; older notation c.6991delG).
Protein change: p.Glu2331fs; shifts the reading frame from glutamic acid 2331.
Molecular consequence: frameshift variant.
Genome position (GRCh38, 1-based): chr17:1,650,819, C deleted on the plus strand (G on the coding strand, the reverse complement: PRPF8 is on the minus strand); the first of 3 consecutive C bases (chr17:1,650,819-1,650,821); deleting any one gives the same sequence. VCF-style (leftmost placement, unchanged base first): chr17-1650818-TC-T. GRCh37 (hg19) VCF-style: chr17-1554112-TC-T.
Other names: short protein forms E2331fs.
Identifiers: ClinVar variation 949989 (VCV000949989.12), dbSNP rs1910994795, ClinGen allele CA1139665057.

ClinVar aggregate classification (germline): Pathogenic/Likely pathogenic. Review status: criteria provided, multiple submitters, no conflicts (2 of 4 stars). 3 submissions from 3 submitters: Pathogenic (2); Likely pathogenic (1). Last evaluated 2025-04-17.

Conditions:
PRPF8-related disorder. Also called: PRPF8-related condition.

Submissions (3):

Labcorp Genetics (formerly Invitae), Labcorp
Classification: Pathogenic. Last evaluated: 2025-04-17. Review status: criteria provided, single submitter. Criteria: Invitae Variant Classification Sherloc (09022015). Collection method: clinical testing. Allele origin: germline.
Comment: This sequence change results in a frameshift in the PRPF8 gene (p.Glu2331Argfs*28). While this is not anticipated to result in nonsense mediated decay, it is expected to disrupt the last 5 amino acid(s) of the PRPF8 protein and extend the protein by 22 additional amino acid residues. This variant is not present in population databases (gnomAD no frequency). This frameshift has been observed in individuals with autosomal dominant retinitis pigmentosa (PMID: 8571961, 16799052, 20232351). It has also been observed to segregate with disease in related individuals. ClinVar contains an entry for this variant (Variation ID: 949989). For these reasons, this variant has been classified as Pathogenic.

GeneDx
Classification: Likely pathogenic. Last evaluated: 2024-09-23. Review status: criteria provided, single submitter. Criteria: GeneDx Variant Classification Process June 2021. Collection method: clinical testing. Allele origin: germline. Affected: yes.
Comment: Located in the critical region required for interaction with EFTUD2 and SNRNP200 (PMID: 17317632, 23704370); Not observed at significant frequency in large population cohorts (gnomAD); Frameshift variant predicted to result in abnormal protein length as the last 5 amino acids are replaced with 27 different amino acids; This variant is associated with the following publications: (PMID: 20232351, 31049658, 16799052, 29087248, 8571961, 17317632, 23704370)

Blueprint Genetics
Classification: Pathogenic for PRPF8-related disorders. Last evaluated: 2022-09-13. Review status: criteria provided, single submitter. Criteria: ACMG Guidelines, 2015. Collection method: clinical testing. Allele origin: germline. Affected: yes. Observed: 1 variant allele.

Literature cited by the submitters: PubMed 8571961 (cited by Labcorp Genetics (formerly Invitae), Labcorp); PubMed 16799052 (cited by Labcorp Genetics (formerly Invitae), Labcorp); PubMed 20232351 (cited by Labcorp Genetics (formerly Invitae), Labcorp).